The following is an entry in ClinVar:

ClinVar aggregate classification (germline): Uncertain significance. Review status: criteria provided, single submitter (1 of 4 stars). 2 submissions from 2 submitters: Uncertain significance (1). 1 of the submissions does not count toward it. Last evaluated 2022-10-24.

Conditions:
Metachromatic leukodystrophy (MLD). Also called: METACHROMATIC LEUKOENCEPHALOPATHY; Arylsulfatase A Deficiency; SULFATIDE LIPIDOSIS; ARSA DEFICIENCY; CEREBROSIDE SULFATASE DEFICIENCY; Cerebral sclerosis diffuse metachromatic form. Identifiers: Orphanet 512, MedGen C0023522, MONDO:0018868, OMIM 250100.

Allele frequency attached by ClinVar (database versions not stated): gnomAD exomes 0.00001 and 0.00004; ExAC 0.00002; gnomAD 0.00003; TOPMed 0.00004.
gnomAD v4.1: 65 of 1,610,648 alleles (0.004%); highest among the groups gnomAD compares: Non-Finnish European, 0.0051%; no homozygotes.

Submissions (2):

Labcorp Genetics (formerly Invitae), Labcorp
Classification: Uncertain significance for Metachromatic leukodystrophy. Last evaluated: 2022-10-24. Review status: criteria provided, single submitter. Criteria: Invitae Variant Classification Sherloc (09022015). Collection method: clinical testing. Allele origin: germline.
Comment: This sequence change replaces arginine, which is basic and polar, with tryptophan, which is neutral and slightly polar, at codon 481 of the ARSA protein (p.Arg481Trp). This variant is present in population databases (rs747443475, gnomAD 0.004%). This variant has not been reported in the literature in individuals affected with ARSA-related conditions. ClinVar contains an entry for this variant (Variation ID: 991428). Advanced modeling of protein sequence and biophysical properties (such as structural, functional, and spatial information, amino acid conservation, physicochemical variation, residue mobility, and thermodynamic stability) has been performed at Invitae for this missense variant, however the output from this modeling did not meet the statistical confidence thresholds required to predict the impact of this variant on ARSA protein function. In summary, the available evidence is currently insufficient to determine the role of this variant in disease. Therefore, it has been classified as a Variant of Uncertain Significance.

Natera, Inc.
Classification: Uncertain significance for Metachromatic leukodystrophy. Last evaluated: 2020-08-13. Review status: no assertion criteria provided. Collection method: clinical testing. Allele origin: germline. Not counted in ClinVar's aggregate classification.

NM_000487.6(ARSA):c.1441C>T (p.Arg481Trp)

Gene: ARSA (arylsulfatase A; minus strand). Cytogenetic location: 22q13.33.
Variant type: single nucleotide variant.
Coding change: c.1441C>T on transcript NM_000487.6 (MANE Select); coding-DNA position 1441, C replaced by T.
Protein change: p.Arg481Trp; replaces arginine 481 with tryptophan.
Molecular consequence: missense variant.
Genome position (GRCh38, 1-based): chr22:50,625,234, G>A on the plus strand (C>T on the coding strand, the complement: ARSA is on the minus strand). VCF-style: chr22-50625234-G-A. GRCh37 (hg19) VCF-style: chr22-51063662-G-A.
Other names: c.1441C>T, p.Arg481Trp (NM_001085425.3, NM_001085426.3, NM_001085427.3); c.1183C>T, p.Arg395Trp (NM_001085428.3, NM_001362782.2); short protein forms R395W, R481W.
Identifiers: ClinVar variation 991428 (VCV000991428.5), dbSNP rs747443475, ClinGen allele CA10324729.